The following is an entry in ClinVar:

ClinVar aggregate classification (germline): Uncertain significance (1 of 4 stars; one submission).

Conditions:
Baller-Gerold syndrome (BGS). Also called: CRANIOSYNOSTOSIS WITH RADIAL DEFECTS. Identifiers: Orphanet 1225, MedGen C0265308, MONDO:0009039, OMIM 218600.

Submission:

Labcorp Genetics (formerly Invitae), Labcorp
Classification: Uncertain significance for Baller-Gerold syndrome. Last evaluated: 2021-08-30. Review status: criteria provided, single submitter. Criteria: Invitae Variant Classification Sherloc (09022015). Collection method: clinical testing. Allele origin: germline.
Comment: Experimental studies and prediction algorithms are not available or were not evaluated, and the functional significance of this variant is currently unknown. This variant has not been reported in the literature in individuals affected with RECQL4-related conditions. This variant is not present in population databases (ExAC no frequency). This sequence change replaces aspartic acid with glycine at codon 701 of the RECQL4 protein (p.Asp701Gly). The aspartic acid residue is highly conserved and there is a moderate physicochemical difference between aspartic acid and glycine. In summary, the available evidence is currently insufficient to determine the role of this variant in disease. Therefore, it has been classified as a Variant of Uncertain Significance.

NM_004260.4(RECQL4):c.2102A>G (p.Asp701Gly)

Gene: RECQL4 (RecQ like helicase 4; minus strand). Cytogenetic location: 8q24.3.
Variant type: single nucleotide variant.
Coding change: c.2102A>G on transcript NM_004260.4 (MANE Select); coding-DNA position 2102, A replaced by G.
Protein change: p.Asp701Gly; replaces aspartic acid 701 with glycine.
Molecular consequence: missense variant.
Genome position (GRCh38, 1-based): chr8:144,513,669, T>C on the plus strand (A>G on the coding strand, the complement: RECQL4 is on the minus strand). VCF-style: chr8-144513669-T-C. GRCh37 (hg19) VCF-style: chr8-145739053-T-C.
Other names: short protein forms D701G.
Identifiers: ClinVar variation 1519848 (VCV001519848.6), dbSNP rs2130684119, ClinGen allele CA372679947.